The following is an entry in ClinVar:

ClinVar aggregate classification (germline): Pathogenic (1 of 4 stars; one submission).

Conditions:
Inborn genetic diseases. Identifiers: MedGen C0950123, MeSH D030342.

Submission:

Ambry Genetics
Classification: Pathogenic for Inborn genetic diseases. Last evaluated: 2025-10-03. Review status: criteria provided, single submitter. Criteria: Ambry Variant Classification Scheme 2023. Collection method: clinical testing. Allele origin: germline.
Comment: The c.1500_1504dupAGCAG (p.A502Efs*11) alteration, located in exon 14 (coding exon 14) of the DDX3X gene, consists of a duplication of AGCAG at position 1500, causing a translational frameshift with a predicted alternate stop codon after 11 amino acids. This alteration is expected to result in loss of function by premature protein truncation or nonsense-mediated mRNA decay. This variant was not reported in population-based cohorts in the Genome Aggregation Database (gnomAD). Based on the available evidence, this alteration is classified as pathogenic.

NM_001356.5(DDX3X):c.1500_1504dup (p.Ala502fs)

Gene: DDX3X (DEAD-box helicase 3 X-linked; plus strand). Cytogenetic location: Xp11.4.
Variant type: Duplication.
Coding change: c.1500_1504dup on transcript NM_001356.5 (MANE Select); coding-DNA positions 1500 to 1504, 5 bases duplicated (AGCAG; older notation c.1500_1504dupAGCAG).
Protein change: p.Ala502fs; shifts the reading frame from alanine 502.
Molecular consequence: frameshift variant. On other transcripts: non-coding transcript variant (1).
Genome position (GRCh38, 1-based): chrX:41,346,507-41,346,511, AGCAG duplicated. VCF-style (leftmost placement, unchanged base first): chrX-41346506-T-TAGCAG. GRCh37 (hg19) VCF-style: chrX-41205759-T-TAGCAG.
Other names: c.1500_1504dup, p.Ala502fs (NM_001193416.3); c.1452_1456dup, p.Ala486fs (NM_001193417.3); c.942_946dup, p.Ala316fs (NM_001363819.1); short protein forms A316fs, A486fs, A502fs.
Identifiers: ClinVar variation 4617099 (VCV004617099.1).